The following is an entry in ClinVar:

ClinVar aggregate classification (germline): Likely pathogenic (1 of 4 stars; one submission).

Conditions:
MHC class II deficiency. Also called: BLS, TYPE II; Bare lymphocyte syndrome 2. Identifiers: Orphanet 572, MedGen C5447452, MONDO:0008855.

Submission:

Natera, Inc.
Classification: Likely pathogenic for Bare lymphocyte syndrome type II. Last evaluated: 2025-09-23. Review status: criteria provided, single submitter. Criteria: Natera Variant Classification Schema (03/2026). Collection method: clinical testing. Allele origin: germline.
Comment: The c.2806C>T variant in CIITA is a nonsense variant predicted to introduce a stop codon at amino acid 936. This variant is expected to result in nonsense mediated decay, truncation, or a dysfunctional protein product. This variant is rare in the general population with a frequency below the threshold expected for the associated phenotype(s). Given the available evidence, this variant is classified as Likely Pathogenic.

NM_000246.4(CIITA):c.2806C>T (p.Gln936Ter)

Gene: CIITA (class II major histocompatibility complex transactivator; plus strand). Cytogenetic location: 16p13.13.
Variant type: single nucleotide variant.
Coding change: c.2806C>T on transcript NM_000246.4 (MANE Select); coding-DNA position 2806, C replaced by T.
Protein change: p.Gln936Ter; replaces glutamine 936 with a stop codon.
Molecular consequence: nonsense.
Genome position (GRCh38, 1-based): chr16:10,909,177, C>T. VCF-style: chr16-10909177-C-T. GRCh37 (hg19) VCF-style: chr16-11003034-C-T.
Other names: c.2809C>T, p.Gln937Ter (NM_001286402.1, NM_001379332.1); c.1054C>T, p.Gln352Ter (NM_001286403.2); c.2662C>T, p.Gln888Ter (NM_001379330.1); c.2659C>T, p.Gln887Ter (NM_001379331.1); c.2806C>T, p.Gln936Ter (NM_001379333.1); c.2737C>T, p.Gln913Ter (NM_001379334.1); short protein forms Q352*, Q887*, Q888*, Q913*, Q936*, Q937*.
Identifiers: ClinVar variation 4817974 (VCV004817974.1).
Genomic context (GRCh38, chr16:10,909,177, plus strand): 5'-ACCATCGAGCCTTTCAAAGCCAAGTCCCTGAAGGATGTGGAAGACCTGGGAAAGCTTGTG[C>T]AGACTCAGAGGTGAGAGGAGAGGCGGATGGGAGGTGGTTCACGCCATGCAGGTTGAGGAC-3'